The following is an entry in ClinVar:

NM_000946.3(PRIM1):c.976A>T (p.Lys326Ter)

Gene: PRIM1 (DNA primase subunit 1; minus strand). Cytogenetic location: 12q13.3.
Variant type: single nucleotide variant.
Coding change: c.976A>T on transcript NM_000946.3 (MANE Select); coding-DNA position 976, A replaced by T.
Protein change: p.Lys326Ter; replaces lysine 326 with a stop codon.
Molecular consequence: nonsense.
Genome position (GRCh38, 1-based): chr12:56,741,441, T>A on the plus strand (A>T on the coding strand, the complement: PRIM1 is on the minus strand). VCF-style: chr12-56741441-T-A. GRCh37 (hg19) VCF-style: chr12-57135225-T-A.
Other names: short protein forms K326*.
Identifiers: ClinVar variation 4885730 (VCV004885730.2).

ClinVar aggregate classification (germline): Uncertain significance (1 of 4 stars; one submission).

Submission:

Dasa
Classification: Uncertain significance. Last evaluated: 2024-12-26. Review status: criteria provided, single submitter. Criteria: DASA Assertion Criteria. Collection method: clinical testing. Allele origin: germline.
Comment: NM_000946.3(PRIM1):c.976A>T (p.Lys326*) is a nonsense variant in PRIM1 predicted to introduce a premature termination codon. This variant is absent from population databases. The currently available literature and clinical evidence are not sufficient to establish a definitive association between this variant and the reported condition. Therefore, this variant is classified as a variant of uncertain significance.